The following is an entry in ClinVar:

ClinVar aggregate classification (germline): Uncertain significance (1 of 4 stars; one submission).

gnomAD v4.1: 3 of 1,613,900 alleles (0.00019%); highest among the groups gnomAD compares: African/African-American, 0.004%; no homozygotes.

Submission:

Labcorp Genetics (formerly Invitae), Labcorp
Classification: Uncertain significance. Last evaluated: 2024-02-11. Review status: criteria provided, single submitter. Criteria: Invitae Variant Classification Sherloc (09022015). Collection method: clinical testing. Allele origin: germline.
Comment: This sequence change replaces histidine, which is basic and polar, with tyrosine, which is neutral and polar, at codon 201 of the EYS protein (p.His201Tyr). This variant is present in population databases (rs770748722, gnomAD 0.007%). This variant has not been reported in the literature in individuals affected with EYS-related conditions. Algorithms developed to predict the effect of missense changes on protein structure and function output the following: SIFT: "Not Available"; PolyPhen-2: "Possibly Damaging"; Align-GVGD: "Not Available". The tyrosine amino acid residue is found in multiple mammalian species, which suggests that this missense change does not adversely affect protein function. In summary, the available evidence is currently insufficient to determine the role of this variant in disease. Therefore, it has been classified as a Variant of Uncertain Significance.

NM_001142800.2(EYS):c.601C>T (p.His201Tyr)

Gene: EYS (EGF-like photoreceptor maintenance factor; minus strand). Cytogenetic location: 6q12.
Variant type: single nucleotide variant.
Coding change: c.601C>T on transcript NM_001142800.2 (MANE Select); coding-DNA position 601, C replaced by T.
Protein change: p.His201Tyr; replaces histidine 201 with tyrosine.
Molecular consequence: missense variant.
Genome position (GRCh38, 1-based): chr6:65,494,810, G>A on the plus strand (C>T on the coding strand, the complement: EYS is on the minus strand). VCF-style: chr6-65494810-G-A. GRCh37 (hg19) VCF-style: chr6-66204703-G-A.
Other names: c.601C>T, p.His201Tyr (NM_001142801.2, NM_001292009.2, NM_198283.2); short protein forms H201Y.
Identifiers: ClinVar variation 3715637 (VCV003715637.2).
Genomic context (GRCh38, chr6:65,494,810, plus strand): 5'-GTTTAAAAGAACATGCATCAAGTTCCTGGCAGTATTTTCCAGAAAATGGAGGCTGGCAAT[G>A]GCAGCTATATGTCTTGCTCCAAGCTTCACTAAGACATTTACCATGACCAGAGCAAAATTC-3'
Protein context (NP_001136272.1, residues 191-211): SEAWSKTYSC[His201Tyr]CQPPFSGKYC